The following is an entry in ClinVar:

NM_001267550.2(TTN):c.53649G>A (p.Trp17883Ter)

Genes: TTN (titin; minus strand), TTN-AS1 (TTN antisense RNA 1; plus strand). Cytogenetic location: 2q31.2.
Variant type: single nucleotide variant.
Coding change: c.53649G>A on transcript NM_001267550.2 (MANE Select); coding-DNA position 53649, G replaced by A.
Protein change: p.Trp17883Ter; replaces tryptophan 17883 with a stop codon.
Molecular consequence: nonsense.
Genome position (GRCh38, 1-based): chr2:178,605,646, C>T on the plus strand (G>A on the coding strand, the complement: TTN is on the minus strand). VCF-style: chr2-178605646-C-T. GRCh37 (hg19) VCF-style: chr2-179470373-C-T.
Other names: c.48726G>A, p.Trp16242Ter (NM_001256850.1); c.26454G>A, p.Trp8818Ter (NM_003319.4); c.45945G>A, p.Trp15315Ter (NM_133378.4); c.26829G>A, p.Trp8943Ter (NM_133432.3); c.27030G>A, p.Trp9010Ter (NM_133437.4); short protein forms W15315*, W16242*, W8818*, W9010*, W8943*, W17883*.
Identifiers: ClinVar variation 1794235 (VCV001794235.2), dbSNP rs774663244, ClinGen allele CA349562096.

ClinVar aggregate classification (germline): Likely pathogenic (1 of 4 stars; one submission).

Conditions:
Cardiovascular phenotype. Identifiers: MedGen CN230736.

Submission:

Ambry Genetics
Classification: Likely pathogenic for Cardiovascular phenotype. Last evaluated: 2020-09-18. Review status: criteria provided, single submitter. Criteria: Ambry Variant Classification Scheme 2023. Collection method: clinical testing. Allele origin: germline.
Comment: The p.W8818* variant (also known as c.26454G>A), located in coding exon 106 of the TTN gene, results from a G to A substitution at nucleotide position 26454. This changes the amino acid from a tryptophan to a stop codon within coding exon 106. This exon is located in the A-band region of the N2-B isoform of the titin protein and is constitutively expressed in TTN transcripts (percent spliced in or PSI 100%). This alteration is expected to result in loss of function by premature protein truncation or nonsense-mediated mRNA decay. While truncating variants in TTN are present in 1-3% of the general population, truncating variants in the A-band are the most common cause of dilated cardiomyopathy (DCM) (Herman DS et al. N. Engl. J. Med., 2012 Feb;366:619-28; Roberts AM et al. Sci Transl Med, 2015 Jan;7:270ra6). TTN truncating variants encoded in constitutive exons (PSI >90%) have been found to be significantly associated with DCM regardless of their position in titin (Schafer S et al. Nat. Genet., 2017 01;49:46-53). As such, this alteration is classified as likely pathogenic.